The following is an entry in ClinVar:

ClinVar aggregate classification (germline): Likely benign. Review status: criteria provided, single submitter (1 of 4 stars). 2 submissions from 2 submitters: Likely benign (1). 1 of the submissions does not count toward it. Last evaluated 2022-10-25.

Conditions:
LAMA2-related disorder. Also called: LAMA2-related disorders; LAMA2-related condition.
LAMA2-related muscular dystrophy (LAMA2-RD). Also called: Laminin alpha 2-related dystrophy. Identifiers: MedGen C5679788, MONDO:0100228.

Allele frequency attached by ClinVar (database versions not stated): gnomAD 0.00001.
gnomAD v4.1: 1 of 1,613,804 alleles (0.000062%); highest among the groups gnomAD compares: Non-Finnish European, 0.000085%; no homozygotes.

Submissions (2):

Labcorp Genetics (formerly Invitae), Labcorp
Classification: Likely benign for LAMA2-related muscular dystrophy. Last evaluated: 2022-10-25. Review status: criteria provided, single submitter. Criteria: Invitae Variant Classification Sherloc (09022015). Collection method: clinical testing. Allele origin: germline.

PreventionGenetics, part of Exact Sciences
Classification: Likely benign for LAMA2-related condition. Last evaluated: 2023-12-21. Review status: no assertion criteria provided. Collection method: clinical testing. Allele origin: germline. Not counted in ClinVar's aggregate classification.
Comment: This variant is classified as likely benign based on ACMG/AMP sequence variant interpretation guidelines (Richards et al. 2015 PMID: 25741868, with internal and published modifications).

NM_000426.4(LAMA2):c.4734C>T (p.Cys1578=)

Gene: LAMA2 (laminin subunit alpha 2; plus strand). Cytogenetic location: 6q22.33.
Variant type: single nucleotide variant.
Coding change: c.4734C>T on transcript NM_000426.4 (MANE Select); coding-DNA position 4734, C replaced by T.
Protein change: p.Cys1578=; no amino-acid change (cysteine 1578 retained).
Molecular consequence: synonymous variant.
Genome position (GRCh38, 1-based): chr6:129,366,235, C>T. VCF-style: chr6-129366235-C-T. GRCh37 (hg19) VCF-style: chr6-129687380-C-T.
Other names: c.4734C>T, p.Cys1578= (NM_001079823.2); c.4734C>T (NM_000426.3).
Identifiers: ClinVar variation 1543868 (VCV001543868.10), dbSNP rs1401689375, ClinGen allele CA451929886.
Genomic context (GRCh38, chr6:129,366,235, plus strand): 5'-ATGTTTAGCAGAAGTAACTACTCTTTGTCACTTCTCTTTCACAGTTTGTGGAGATGAGTG[C>T]ACTGGCCTTCTTCTCGGTGACTTGGCTCGCCTGGAGCAGATGGTCATGAGCATCAACCTC-3'
Protein context (NP_000417.3, residues 1568-1588): GWECVFCGDE[Cys1578=]TGLLLGDLAR